The following is an entry in ClinVar:

NM_153332.4(ERI1):c.627dup (p.Val210fs)

Gene: ERI1 (exoribonuclease 1). Cytogenetic location: 8p23.1.
Variant type: Duplication.
Coding change: c.627dup on transcript NM_153332.4 (MANE Select); coding-DNA position 627, one base duplicated.
Protein change: p.Val210fs; shifts the reading frame from valine 210.
Molecular consequence: frameshift variant.
Genome position: GRCh38 VCF-style: chr8-9018334-T-TA. GRCh37 (hg19) VCF-style: chr8-8875844-T-TA.
Other names: c.393dup, p.Val132fs (NM_001354635.2); c.282dup, p.Val95fs (NM_001354636.2); c.627dup, p.Val210fs (NM_001354638.2); short protein forms V132fs, V210fs, V95fs.
Identifiers: ClinVar variation 4082579 (VCV004082579.2).

ClinVar aggregate classification (germline): Pathogenic (1 of 4 stars; one submission).

Submission:

GeneDx
Classification: Pathogenic. Last evaluated: 2025-09-15. Review status: criteria provided, single submitter. Criteria: GeneDx Variant Classification Process June 2021. Collection method: clinical testing. Allele origin: germline.
Comment: Frameshift variant predicted to result in protein truncation or nonsense mediated decay in a gene for which loss of function is a known mechanism of disease; Not observed at significant frequency in large population cohorts (gnomAD); Has not been previously published as pathogenic or benign to our knowledge